The following is an entry in ClinVar:

ClinVar aggregate classification (germline): Likely pathogenic (1 of 4 stars; one submission).

Allele frequency attached by ClinVar (database versions not stated): gnomAD exomes below 0.00001; gnomAD 0.00001.
gnomAD v4.1: 2 of 1,613,482 alleles (0.00012%); highest among the groups gnomAD compares: East Asian, 0.0045%; no homozygotes.

Submission:

Labcorp Genetics (formerly Invitae), Labcorp
Classification: Likely pathogenic. Last evaluated: 2022-07-15. Review status: criteria provided, single submitter. Criteria: Invitae Variant Classification Sherloc (09022015). Collection method: clinical testing. Allele origin: germline.
Comment: This variant is present in population databases (no rsID available, gnomAD 0.01%). This variant has not been reported in the literature in individuals affected with POLH-related conditions. Algorithms developed to predict the effect of sequence changes on RNA splicing suggest that this variant may disrupt the consensus splice site. In summary, the currently available evidence indicates that the variant is pathogenic, but additional data are needed to prove that conclusively. Therefore, this variant has been classified as Likely Pathogenic. This sequence change affects a donor splice site in intron 3 of the POLH gene. It is expected to disrupt RNA splicing. Variants that disrupt the donor or acceptor splice site typically lead to a loss of protein function (PMID: 16199547), and loss-of-function variants in POLH are known to be pathogenic (PMID: 11773631, 24130121, 25256075).

Literature cited by the submitters: PubMed 16199547; PubMed 11773631; PubMed 24130121; PubMed 25256075.

NM_006502.3(POLH):c.272+1G>C

Gene: POLH (DNA polymerase eta; plus strand). Cytogenetic location: 6p21.1.
Variant type: single nucleotide variant.
Coding change: c.272+1G>C on transcript NM_006502.3 (MANE Select); the canonical splice donor site of the intron after coding-DNA position 272, G replaced by C.
Molecular consequence: splice donor variant.
Genome position (GRCh38, 1-based): chr6:43,583,142, G>C. VCF-style: chr6-43583142-G-C. GRCh37 (hg19) VCF-style: chr6-43550879-G-C.
Other names: c.272+1G>C (NM_001291970.2); c.118+1G>C (NM_001291969.2).
Identifiers: ClinVar variation 2017400 (VCV002017400.4), dbSNP rs1478721850, ClinGen allele CA364275042.
Genomic context (GRCh38, chr6:43,583,142, plus strand): 5'-ATGTCCAGATCTTCTACTGGCACAAGTTCGTGAGTCCCGTGGGAAAGCTAACCTCACCAA[G>C]TAAGAAAAAAACATTATTTAAGGAGACATAAAGGAGTCGAAAATAATACTCCATGAGGCT-3'